The following is an entry in ClinVar:

NM_144997.7(FLCN):c.780-1G>C

Gene: FLCN (folliculin; minus strand). Cytogenetic location: 17p11.2.
Variant type: single nucleotide variant.
Coding change: c.780-1G>C on transcript NM_144997.7 (MANE Select); the canonical splice acceptor site of the intron before coding-DNA position 780, G replaced by C.
Molecular consequence: splice acceptor variant.
Genome position (GRCh38, 1-based): chr17:17,221,629, C>G on the plus strand (G>C on the coding strand, the complement: FLCN is on the minus strand). VCF-style: chr17-17221629-C-G. GRCh37 (hg19) VCF-style: chr17-17124943-C-G.
Other names: c.780-1G>C (NM_001353231.2, NM_001353230.2, NM_144606.7); c.834-1G>C (NM_001353229.2).
Identifiers: ClinVar variation 241928 (VCV000241928.5), dbSNP rs878855218, ClinGen allele CA10583455.
Genomic context (GRCh38, chr17:17,221,629, plus strand): 5'-TCGGTCGGAGCACCTTCCAGGAGCTTCTCGGTCAGCCGGCTGCCACACGCCTTCAGGAGC[C>G]TGGAGAACACAGCACCAGCTATGAGCGTTCTCGCCAAAGGAAAAAGCAAACCTGACGCTC-3'

ClinVar aggregate classification (germline): Pathogenic (1 of 4 stars; one submission).

Conditions:
Birt-Hogg-Dube syndrome. Also called: Birt Hogg Dubé syndrome. Identifiers: Orphanet 122, MedGen C0346010, MONDO:0800444.

Submission:

Labcorp Genetics (formerly Invitae), Labcorp
Classification: Pathogenic for Birt-Hogg-Dube syndrome. Last evaluated: 2020-08-07. Review status: criteria provided, single submitter. Criteria: Invitae Variant Classification Sherloc (09022015). Collection method: clinical testing. Allele origin: germline.
Comment: This sequence change affects an acceptor splice site in intron 7 of the FLCN gene. It is expected to disrupt RNA splicing and likely results in an absent or disrupted protein product. This variant is not present in population databases (ExAC no frequency). Disruption of this splice site has been observed in individual(s) with clinical features of Birt-Hogg-Dube syndrome (PMID: 29157599, 30533232, 28558743). ClinVar contains an entry for this variant (Variation ID: 241928). Donor and acceptor splice site variants typically lead to a loss of protein function (PMID: 16199547), and loss-of-function variants in FLCN are known to be pathogenic (PMID: 15852235). For these reasons, this variant has been classified as Pathogenic.

Literature cited by the submitters: PubMed 29157599; PubMed 30533232; PubMed 28558743; PubMed 16199547; PubMed 15852235.